The following is an entry in ClinVar:

NM_001271.4(CHD2):c.5053C>T (p.Arg1685Cys)

Gene: CHD2 (chromodomain helicase DNA binding protein 2; plus strand). Cytogenetic location: 15q26.1.
Variant type: single nucleotide variant.
Coding change: c.5053C>T on transcript NM_001271.4 (MANE Select); coding-DNA position 5053, C replaced by T.
Protein change: p.Arg1685Cys; replaces arginine 1685 with cysteine.
Molecular consequence: missense variant.
Genome position (GRCh38, 1-based): chr15:93,020,158, C>T. VCF-style: chr15-93020158-C-T. GRCh37 (hg19) VCF-style: chr15-93563388-C-T.
Other names: short protein forms R1685C.
Identifiers: ClinVar variation 2157746 (VCV002157746.4), dbSNP rs776558690, ClinGen allele CA7748635.

ClinVar aggregate classification (germline): Uncertain significance (1 of 4 stars; one submission).

Conditions:
Developmental and epileptic encephalopathy 94 (DEE94). Also called: CHD2-Related Neurodevelopmental Disorders; Epileptic encephalopathy, childhood-onset. Identifiers: Orphanet 1942, Orphanet 2382, MedGen C3809278, MONDO:0014150, OMIM 615369.

Allele frequency attached by ClinVar (database versions not stated): gnomAD exomes below 0.00001; ExAC 0.00001; gnomAD 0.00001.
gnomAD v4.1: 8 of 1,613,932 alleles (0.0005%); highest among the groups gnomAD compares: South Asian, 0.0033%; no homozygotes.

Submission:

Labcorp Genetics (formerly Invitae), Labcorp
Classification: Uncertain significance for Developmental and epileptic encephalopathy 94. Last evaluated: 2022-09-25. Review status: criteria provided, single submitter. Criteria: Invitae Variant Classification Sherloc (09022015). Collection method: clinical testing. Allele origin: germline.
Comment: This sequence change replaces arginine, which is basic and polar, with cysteine, which is neutral and slightly polar, at codon 1685 of the CHD2 protein (p.Arg1685Cys). This variant is present in population databases (rs776558690, gnomAD 0.006%). This variant has not been reported in the literature in individuals affected with CHD2-related conditions. Advanced modeling of protein sequence and biophysical properties (such as structural, functional, and spatial information, amino acid conservation, physicochemical variation, residue mobility, and thermodynamic stability) performed at Invitae indicates that this missense variant is not expected to disrupt CHD2 protein function. In summary, the available evidence is currently insufficient to determine the role of this variant in disease. Therefore, it has been classified as a Variant of Uncertain Significance.